The following is an entry in ClinVar:

NM_000057.4(BLM):c.2622G>A (p.Val874=)

Gene: BLM (BLM RecQ like helicase; plus strand). Cytogenetic location: 15q26.1.
Variant type: single nucleotide variant.
Coding change: c.2622G>A on transcript NM_000057.4 (MANE Select); coding-DNA position 2622, G replaced by A.
Protein change: p.Val874=; no amino-acid change (valine 874 retained).
Molecular consequence: synonymous variant.
Genome position (GRCh38, 1-based): chr15:90,782,888, G>A. VCF-style: chr15-90782888-G-A. GRCh37 (hg19) VCF-style: chr15-91326118-G-A.
Other names: c.2622G>A (NM_000057.2); c.2622G>A, p.Val874= (NM_001287246.2, NM_001287247.2); c.1497G>A, p.Val499= (NM_001287248.2).
Identifiers: ClinVar variation 1579094 (VCV001579094.10), dbSNP rs760261440, ClinGen allele CA7738832.

ClinVar aggregate classification (germline): Conflicting classifications of pathogenicity. Review status: criteria provided, conflicting classifications (1 of 4 stars). 2 submissions from 2 submitters: Uncertain significance (1); Likely benign (1). Last evaluated 2023-07-14.

Conditions:
Bloom syndrome (BLM). Also called: Bloom-Torre-Machacek syndrome. Identifiers: Orphanet 125, MedGen C0005859, MONDO:0008876, OMIM 210900.
Hereditary cancer-predisposing syndrome. Also called: Tumor predisposition; Neoplastic Syndromes, Hereditary; Hereditary Cancer Syndrome; Hereditary neoplastic syndrome. Identifiers: Orphanet 140162, MedGen C0027672, MeSH D009386, MONDO:0015356.

Allele frequency attached by ClinVar (database versions not stated): gnomAD exomes below 0.00001; TOPMed below 0.00001; ExAC 0.00001.
gnomAD v4.1: 2 of 1,613,842 alleles (0.00012%); highest among the groups gnomAD compares: Non-Finnish European, 0.00017%; no homozygotes.

Submissions (2):

Ambry Genetics
Classification: Uncertain significance for Hereditary cancer-predisposing syndrome. Last evaluated: 2023-07-14. Review status: criteria provided, single submitter. Criteria: Ambry Variant Classification Scheme 2023. Collection method: clinical testing. Allele origin: germline.
Comment: The c.2622G>A variant (also known as p.V874V), located in coding exon 12 of the BLM gene, results from a G to A substitution at nucleotide position 2622. This nucleotide substitution does not change the valine at codon 874. This nucleotide position is not well conserved in available vertebrate species. In silico splice site analysis predicts that this alteration may weaken the native splice donor site. Since supporting evidence is limited at this time, the clinical significance of this alteration remains unclear.

Labcorp Genetics (formerly Invitae), Labcorp
Classification: Likely benign for Bloom syndrome. Last evaluated: 2023-04-21. Review status: criteria provided, single submitter. Criteria: Invitae Variant Classification Sherloc (09022015). Collection method: clinical testing. Allele origin: germline.